The following is an entry in ClinVar:

NM_000937.5(POLR2A):c.4645A>G (p.Ser1549Gly)

Gene: POLR2A (RNA polymerase II subunit A; plus strand). Cytogenetic location: 17p13.1.
Variant type: single nucleotide variant.
Coding change: c.4645A>G on transcript NM_000937.5 (MANE Select); coding-DNA position 4645, A replaced by G.
Protein change: p.Ser1549Gly; replaces serine 1549 with glycine.
Molecular consequence: missense variant.
Genome position (GRCh38, 1-based): chr17:7,512,812, A>G. VCF-style: chr17-7512812-A-G. GRCh37 (hg19) VCF-style: chr17-7416131-A-G.
Other names: short protein forms S1549G.
Identifiers: ClinVar variation 1694821 (VCV001694821.31), dbSNP rs145775309, ClinGen allele CA397830597.

ClinVar aggregate classification (germline): Uncertain significance (1 of 4 stars; one submission).

Submission:

CeGaT Center for Human Genetics Tuebingen
Classification: Uncertain significance. Last evaluated: 2022-05-01. Review status: criteria provided, single submitter. Criteria: CeGaT Center For Human Genetics Tuebingen Variant Classification Criteria Version 2. Collection method: clinical testing. Allele origin: germline. Affected: yes. Observed: 1 variant allele.
Comment: POLR2A: PM2, PP2